The following is an entry in ClinVar:

ClinVar aggregate classification (germline): Uncertain significance (1 of 4 stars; one submission).

gnomAD v4.1: 1 of 1,613,496 alleles (0.000062%); highest among the groups gnomAD compares: Non-Finnish European, 0.000085%; no homozygotes.

Submission:

GeneDx
Classification: Uncertain significance. Last evaluated: 2022-01-09. Review status: criteria provided, single submitter. Criteria: GeneDx Variant Classification Process June 2021. Collection method: clinical testing. Allele origin: germline. Affected: yes.
Comment: Not observed at significant frequency in large population cohorts (gnomAD); In silico analysis supports that this missense variant has a deleterious effect on protein structure/function; Has not been previously published as pathogenic or benign to our knowledge

NM_001278716.2(FBXL4):c.921C>G (p.Cys307Trp)

Gene: FBXL4 (F-box and leucine rich repeat protein 4; minus strand). Cytogenetic location: 6q16.2.
Variant type: single nucleotide variant.
Coding change: c.921C>G on transcript NM_001278716.2 (MANE Select); coding-DNA position 921, C replaced by G.
Protein change: p.Cys307Trp; replaces cysteine 307 with tryptophan.
Molecular consequence: missense variant. On other transcripts: non-coding transcript variant (2).
Genome position (GRCh38, 1-based): chr6:98,905,608, G>C on the plus strand (C>G on the coding strand, the complement: FBXL4 is on the minus strand). VCF-style: chr6-98905608-G-C. GRCh37 (hg19) VCF-style: chr6-99353484-G-C.
Other names: c.921C>G, p.Cys307Trp (NM_012160.5); short protein forms C307W.
Identifiers: ClinVar variation 1695759 (VCV001695759.2), dbSNP rs2128393293, ClinGen allele CA365096836.